The following is an entry in ClinVar:

ClinVar aggregate classification (germline): Uncertain significance (1 of 4 stars; one submission).

Conditions:
Brugada syndrome. Also called: Sudden unexpected nocturnal death syndrome; Sudden Unexplained Death Syndrome; Sudden Unexplained Nocturnal Death Syndrome (SUNDS); Sudden unexplained nocturnal death syndrome. Identifiers: Orphanet 130, MedGen C1142166, MONDO:0015263.

Allele frequency attached by ClinVar (database versions not stated): gnomAD exomes below 0.00001.
gnomAD v4.1: 6 of 1,609,314 alleles (0.00037%); highest among the groups gnomAD compares: Non-Finnish European, 0.00051%; no homozygotes.

Submission:

Labcorp Genetics (formerly Invitae), Labcorp
Classification: Uncertain significance for Brugada syndrome. Last evaluated: 2020-02-17. Review status: criteria provided, single submitter. Criteria: Invitae Variant Classification Sherloc (09022015). Collection method: clinical testing. Allele origin: germline.
Comment: In summary, the available evidence is currently insufficient to determine the role of this variant in disease. Therefore, it has been classified as a Variant of Uncertain Significance. This variant is not present in population databases (ExAC no frequency). Algorithms developed to predict the effect of missense changes on protein structure and function output the following: SIFT: "Tolerated"; PolyPhen-2: "Benign"; Align-GVGD: "Class C0". The serine amino acid residue is found in multiple mammalian species, suggesting that this missense change does not adversely affect protein function. These predictions have not been confirmed by published functional studies and their clinical significance is uncertain. This variant has not been reported in the literature in individuals with SCN10A-related conditions. This sequence change replaces asparagine with serine at codon 1391 of the SCN10A protein (p.Asn1391Ser). The asparagine residue is moderately conserved and there is a small physicochemical difference between asparagine and serine.

NM_006514.4(SCN10A):c.4172A>G (p.Asn1391Ser)

Gene: SCN10A (sodium voltage-gated channel alpha subunit 10; minus strand). Cytogenetic location: 3p22.2.
Variant type: single nucleotide variant.
Coding change: c.4172A>G on transcript NM_006514.4 (MANE Select); coding-DNA position 4172, A replaced by G.
Protein change: p.Asn1391Ser; replaces asparagine 1391 with serine.
Molecular consequence: missense variant.
Genome position (GRCh38, 1-based): chr3:38,709,587, T>C on the plus strand (A>G on the coding strand, the complement: SCN10A is on the minus strand). VCF-style: chr3-38709587-T-C. GRCh37 (hg19) VCF-style: chr3-38751078-T-C.
Other names: c.4169A>G, p.Asn1390Ser (NM_001293306.2); c.3878A>G, p.Asn1293Ser (NM_001293307.2); short protein forms N1390S, N1293S, N1391S.
Identifiers: ClinVar variation 962250 (VCV000962250.6), dbSNP rs767699386, ClinGen allele CA72949346.
Genomic context (GRCh38, chr3:38,709,587, plus strand): 5'-TTCAGTGTGAAGAAGCCTCCAAAAATGATGAAGATGACAAAGTACAAATACATGTACACG[T>C]TGTCCTCCCACTTGGGTTGCATGTTGACCTGTGACCAGACAAGGGAGAGTGGGAAGGAGG-3'
Protein context (NP_006505.4, residues 1381-1401): EVNMQPKWED[Asn1391Ser]VYMYLYFVIF